The following is an entry in ClinVar:

ClinVar aggregate classification (germline): Benign. Review status: criteria provided, multiple submitters, no conflicts (2 of 4 stars). 14 submissions from 12 submitters: Benign (11). 3 of the submissions do not count toward it. Last evaluated 2026-02-04.

Conditions:
Brain small vessel disease 1 with or without ocular anomalies (BSVD1). Also called: BRAIN SMALL VESSEL DISEASE WITH HEMORRHAGE; PORENCEPHALY, TYPE 1, AUTOSOMAL DOMINANT; GOULD SYNDROME 1; Brain small vessel disease with or without ocular anomalies. Identifiers: Orphanet 2940, Orphanet 36383, Orphanet 99810, MedGen C4755307, MONDO:0008289, OMIM 175780.
Autosomal dominant familial hematuria-retinal arteriolar tortuosity-contractures syndrome. Also called: Angiopathy, hereditary, with nephropathy, aneurysms, and muscle cramps; Hereditary Angiopathy with Nephropathy, Aneurysms, and Muscle Cramps (HANAC) Syndrome. Identifiers: Orphanet 73229, MedGen C2673195, MONDO:0012726, OMIM 611773.

Allele frequency attached by ClinVar (database versions not stated): gnomAD 0.42890 and 0.43634; TOPMed 0.43293; ESP Exome Variant Server 0.43957; gnomAD exomes 0.46688 and 0.47341; 1000 Genomes Project 30x 0.46705; ExAC 0.46723; 1000 Genomes Project 0.47284.
gnomAD v4.1: 758,785 of 1,613,492 alleles (47%); highest among the groups gnomAD compares: South Asian, 58%; 180,476 homozygotes.

Submissions (15):

Labcorp Genetics (formerly Invitae), Labcorp
Classification: Benign. Last evaluated: 2026-02-04. Review status: criteria provided, single submitter. Criteria: Invitae Variant Classification Sherloc (09022015). Collection method: clinical testing. Allele origin: germline.

Blueprint Genetics
Classification: Benign. Last evaluated: 2024-11-27. Review status: criteria provided, single submitter. Criteria: ACMG Guidelines, 2015. Collection method: clinical testing. Allele origin: germline.

Mayo Clinic Laboratories, Mayo Clinic
Classification: Benign. Last evaluated: 2022-04-26. Review status: criteria provided, single submitter. Criteria: ACMG Guidelines, 2015. Collection method: clinical testing. Allele origin: germline. Observed: 826 variant alleles.

Genome-Nilou Lab
Classification: Benign for Autosomal dominant familial hematuria-retinal arteriolar tortuosity-contractures syndrome. Last evaluated: 2021-07-22. Review status: criteria provided, single submitter. Criteria: ACMG Guidelines, 2015. Collection method: clinical testing. Allele origin: germline. Affected: no.

Genome-Nilou Lab
Classification: Benign for Brain small vessel disease 1 with or without ocular anomalies. Last evaluated: 2021-07-22. Review status: criteria provided, single submitter. Criteria: ACMG Guidelines, 2015. Collection method: clinical testing. Allele origin: germline. Affected: no.

Athena Diagnostics
Classification: Benign. Last evaluated: 2021-06-02. Review status: criteria provided, single submitter. Criteria: Athena Diagnostics criteria. Collection method: clinical testing. Allele origin: unknown.

Illumina Laboratory Services, Illumina
Classification: Benign for Autosomal dominant familial hematuria-retinal arteriolar tortuosity-contractures syndrome. Last evaluated: 2018-01-13. Review status: criteria provided, single submitter. Criteria: ICSL Variant Classification Criteria 13 December 2019. Collection method: clinical testing. Allele origin: germline.
Comment: This variant was observed in the ICSL laboratory as part of a predisposition screen in an ostensibly healthy population. It had not been previously curated by ICSL or reported in the Human Gene Mutation Database (HGMD: prior to June 1st, 2018), and was therefore a candidate for classification through an automated scoring system. Utilizing variant allele frequency, disease prevalence and penetrance estimates, and inheritance mode, an automated score was calculated to assess if this variant is too frequent to cause the disease. Based on the score and internal cut-off values, a variant classified as benign is not then subjected to further curation. The score for this variant resulted in a classification of benign for this disease.

Illumina Laboratory Services, Illumina
Classification: Benign for Brain small vessel disease 1 with or without ocular anomalies. Last evaluated: 2018-01-13. Review status: criteria provided, single submitter. Criteria: ICSL Variant Classification Criteria 13 December 2019. Collection method: clinical testing. Allele origin: germline.
Comment: the same text as in the submission from Illumina Laboratory Services, Illumina above.

GeneDx
Classification: Benign. Last evaluated: 2017-07-19. Review status: criteria provided, single submitter. Criteria: GeneDx Variant Classification (06012015). Collection method: clinical testing. Allele origin: germline. Affected: yes.
Comment: This variant is considered likely benign or benign based on one or more of the following criteria: it is a conservative change, it occurs at a poorly conserved position in the protein, it is predicted to be benign by multiple in silico algorithms, and/or has population frequency not consistent with disease.

Breakthrough Genomics
Classification: Benign. Review status: criteria provided, single submitter. Criteria: ACMG Guidelines, 2015. Collection method: not provided. Allele origin: germline. Inheritance: Autosomal dominant inheritance. Affected: yes.

PreventionGenetics, part of Exact Sciences
Classification: Benign. Review status: criteria provided, single submitter. Criteria: ACMG Guidelines, 2015. Collection method: clinical testing. Allele origin: germline.

Clinical Genetics DNA and cytogenetics Diagnostics Lab, Erasmus MC, Erasmus Medical Center
Classification: Benign. Review status: no assertion criteria provided. Collection method: clinical testing. Allele origin: germline. Affected: yes. Study: VKGL Data-share Consensus. Not counted in ClinVar's aggregate classification.

Diagnostic Laboratory, Department of Genetics, University Medical Center Groningen
Classification: Benign. Review status: no assertion criteria provided. Collection method: clinical testing. Allele origin: germline. Affected: yes. Study: VKGL Data-share Consensus. Not counted in ClinVar's aggregate classification.

Dr. Peter K. Rogan Lab, Western University
No classification provided (evidence only). Condition: Pancreatic adenocarcinoma. Review status: no classification provided. Collection method: in vitro. Allele origin: not applicable. Functional consequence: retained intron. Not counted in ClinVar's aggregate classification.

Joint Genome Diagnostic Labs from Nijmegen and Maastricht, Radboudumc and MUMC+
Classification: Benign. Review status: no assertion criteria provided. Collection method: clinical testing. Allele origin: germline. Affected: yes. Study: VKGL Data-share Consensus. Not counted in ClinVar's aggregate classification.

NM_001845.6(COL4A1):c.432T>A (p.Ala144=)

Gene: COL4A1 (collagen type IV alpha 1 chain; minus strand). Cytogenetic location: 13q34.
Variant type: single nucleotide variant.
Coding change: c.432T>A on transcript NM_001845.6 (MANE Select); coding-DNA position 432, T replaced by A.
Protein change: p.Ala144=; no amino-acid change (alanine 144 retained).
Molecular consequence: synonymous variant.
Genome position (GRCh38, 1-based): chr13:110,211,878, A>T on the plus strand (T>A on the coding strand, the complement: COL4A1 is on the minus strand). VCF-style: chr13-110211878-A-T. GRCh37 (hg19) VCF-style: chr13-110864225-A-T.
Other names: p.Ala144=; c.432T>A, p.Ala144= (NM_001303110.2).
Identifiers: ClinVar variation 258254 (VCV000258254.31), dbSNP rs532625, ClinGen allele CA7048517.